The following is an entry in ClinVar:

ClinVar aggregate classification (germline): Uncertain significance. Review status: criteria provided, multiple submitters, no conflicts (2 of 4 stars). 3 submissions from 3 submitters: Uncertain significance (3). Last evaluated 2024-11-26.

Conditions:
Schizophrenia 4 (SCZD4). Also called: SCHIZOPHRENIA SUSCEPTIBILITY LOCUS, CHROMOSOME 22q11-RELATED; SCHIZOPHRENIA, SUSCEPTIBILITY TO, 4. Identifiers: MedGen C1833247, MONDO:0010943, OMIM 600850.
Proline dehydrogenase deficiency (HYRPRO1). Also called: Hyperprolinemia type 1; PROLINE OXIDASE DEFICIENCY. Identifiers: Orphanet 419, MedGen C0268529, MONDO:0009400, OMIM 239500.

Submissions (3):

Blueprint Genetics
Classification: Uncertain significance. Last evaluated: 2024-11-26. Review status: criteria provided, single submitter. Criteria: ACMG Guidelines, 2015. Collection method: clinical testing. Allele origin: germline.

Labcorp Genetics (formerly Invitae), Labcorp
Classification: Uncertain significance for Proline dehydrogenase deficiency. Last evaluated: 2024-10-22. Review status: criteria provided, single submitter. Criteria: Invitae Variant Classification Sherloc (09022015). Collection method: clinical testing. Allele origin: germline.
Comment: This sequence change replaces valine, which is neutral and non-polar, with methionine, which is neutral and non-polar, at codon 545 of the PRODH protein (p.Val545Met). The frequency data for this variant in the population databases is considered unreliable, as metrics indicate poor data quality at this position in the gnomAD database. This variant has not been reported in the literature in individuals affected with PRODH-related conditions. ClinVar contains an entry for this variant (Variation ID: 2074035). Invitae Evidence Modeling of protein sequence and biophysical properties (such as structural, functional, and spatial information, amino acid conservation, physicochemical variation, residue mobility, and thermodynamic stability) indicates that this missense variant is expected to disrupt PRODH protein function with a positive predictive value of 80%. In summary, the available evidence is currently insufficient to determine the role of this variant in disease. Therefore, it has been classified as a Variant of Uncertain Significance.

Fulgent Genetics
Classification: Uncertain significance for Proline dehydrogenase deficiency; Schizophrenia 4. Last evaluated: 2024-04-16. Review status: criteria provided, single submitter. Criteria: ACMG Guidelines, 2015. Collection method: clinical testing. Allele origin: germline.

NM_016335.6(PRODH):c.1633G>A (p.Val545Met)

Gene: PRODH (proline dehydrogenase 1; minus strand). Cytogenetic location: 22q11.21.
Variant type: single nucleotide variant.
Coding change: c.1633G>A on transcript NM_016335.6 (MANE Select); coding-DNA position 1633, G replaced by A.
Protein change: p.Val545Met; replaces valine 545 with methionine.
Molecular consequence: missense variant.
Genome position (GRCh38, 1-based): chr22:18,913,345, C>T on the plus strand (G>A on the coding strand, the complement: PRODH is on the minus strand). VCF-style: chr22-18913345-C-T. GRCh37 (hg19) VCF-style: chr22-18900858-C-T.
Other names: c.1309G>A, p.Val437Met (NM_001195226.2, NM_001368250.2); short protein forms V437M, V545M.
Identifiers: ClinVar variation 2074035 (VCV002074035.6), dbSNP rs778859889, ClinGen allele CA10094855.